The following is an entry in ClinVar:

NC_000016.9:g.(?_53907678)_(53922883_?)del

Gene: FTO (FTO alpha-ketoglutarate dependent dioxygenase; plus strand). Cytogenetic location: 16q12.2.
Variant type: Deletion.
Identifiers: ClinVar variation 2423637 (VCV002423637.4).

ClinVar aggregate classification (germline): Uncertain significance (1 of 4 stars; one submission).

Submission:

Labcorp Genetics (formerly Invitae), Labcorp
Classification: Uncertain significance. Last evaluated: 2022-01-15. Review status: criteria provided, single submitter. Criteria: Invitae Variant Classification Sherloc (09022015). Collection method: clinical testing. Allele origin: germline.
Comment: In summary, the available evidence is currently insufficient to determine the role of this variant in disease. Therefore, it has been classified as a Variant of Uncertain Significance. This variant has not been reported in the literature in individuals affected with FTO-related conditions. This variant is a gross deletion of the genomic region encompassing exon(s) 5-7 of the FTO gene. This deletion is out-of-frame, and is expected to create a premature translational stop signal and result in an absent or disrupted protein product. However, the current clinical and genetic evidence is not sufficient to establish whether loss-of-function variants in FTO cause disease.